The following is an entry in ClinVar:

ClinVar aggregate classification (germline): Uncertain significance. Review status: criteria provided, multiple submitters, no conflicts (2 of 4 stars). 3 submissions from 3 submitters: Uncertain significance (3). Last evaluated 2025-01-15.

Conditions:
Inborn genetic diseases. Identifiers: MedGen C0950123, MeSH D030342.

Allele frequency attached by ClinVar (database versions not stated): gnomAD exomes 0.00003 and 0.00012; gnomAD 0.00006 and 0.00007; ExAC 0.00007; 1000 Genomes Project 30x 0.00016; TOPMed 0.00018; 1000 Genomes Project 0.00020.
gnomAD v4.1: 60 of 1,613,902 alleles (0.0037%); highest among the groups gnomAD compares: East Asian, 0.069%; no homozygotes.

Submissions (3):

Labcorp Genetics (formerly Invitae), Labcorp
Classification: Uncertain significance. Last evaluated: 2025-01-15. Review status: criteria provided, single submitter. Criteria: Invitae Variant Classification Sherloc (09022015). Collection method: clinical testing. Allele origin: germline.
Comment: This sequence change replaces arginine, which is basic and polar, with glutamine, which is neutral and polar, at codon 54 of the RDH5 protein (p.Arg54Gln). This variant is present in population databases (rs200548164, gnomAD 0.1%). This variant has not been reported in the literature in individuals affected with RDH5-related conditions. ClinVar contains an entry for this variant (Variation ID: 938260). An algorithm developed to predict the effect of missense changes on protein structure and function outputs the following: PolyPhen-2: "Benign". The glutamine amino acid residue is found in multiple mammalian species, which suggests that this missense change does not adversely affect protein function. In summary, the available evidence is currently insufficient to determine the role of this variant in disease. Therefore, it has been classified as a Variant of Uncertain Significance.

Ambry Genetics
Classification: Uncertain significance for Inborn genetic diseases. Last evaluated: 2024-03-26. Review status: criteria provided, single submitter. Criteria: Ambry Variant Classification Scheme 2023. Collection method: clinical testing. Allele origin: germline.

Blueprint Genetics
Classification: Uncertain significance. Last evaluated: 2023-08-09. Review status: criteria provided, single submitter. Criteria: ACMG Guidelines, 2015. Collection method: clinical testing. Allele origin: germline.

NM_002905.5(RDH5):c.161G>A (p.Arg54Gln)

Genes: BLOC1S1-RDH5 (BLOC1S1-RDH5 readthrough; plus strand), RDH5 (retinol dehydrogenase 5; plus strand). Cytogenetic location: 12q13.2.
Variant type: single nucleotide variant.
Coding change: c.161G>A on transcript NM_002905.5 (MANE Select); coding-DNA position 161, G replaced by A.
Protein change: p.Arg54Gln; replaces arginine 54 with glutamine.
Molecular consequence: missense variant.
Genome position (GRCh38, 1-based): chr12:55,721,345, G>A. VCF-style: chr12-55721345-G-A. GRCh37 (hg19) VCF-style: chr12-56115129-G-A.
Other names: c.161G>A, p.Arg54Gln (NM_001199771.3); short protein forms R54Q.
Identifiers: ClinVar variation 938260 (VCV000938260.9), dbSNP rs200548164, ClinGen allele CA6616757.